The following is an entry in ClinVar:

NC_000005.9:g.(?_33944753)_(34008124_?)dup

Genes: AMACR (alpha-methylacyl-CoA racemase; minus strand), SLC45A2 (solute carrier family 45 member 2; minus strand). Cytogenetic location: 5p13.2.
Variant type: Duplication.
Identifiers: ClinVar variation 1412026 (VCV001412026.4).

ClinVar aggregate classification (germline): Uncertain significance (1 of 4 stars; one submission).

Submission:

Labcorp Genetics (formerly Invitae), Labcorp
Classification: Uncertain significance. Last evaluated: 2021-12-02. Review status: criteria provided, single submitter. Criteria: Invitae Variant Classification Sherloc (09022015). Collection method: clinical testing. Allele origin: germline.
Comment: A copy number gain of the genomic region encompassing the full coding sequence of the SLC45A2 gene has been identified. The boundaries of this event are unknown as they extend beyond the assayed region for this gene and therefore may encompass additional genes. As the precise location of this event is unknown, it may be in tandem or it may be located elsewhere in the genome. This variant has not been reported in the literature in individuals affected with SLC45A2-related conditions. In summary, the available evidence is currently insufficient to determine the role of this variant in disease. Therefore, it has been classified as a Variant of Uncertain Significance.